The following is an entry in ClinVar:

ClinVar aggregate classification (germline): Uncertain significance (1 of 4 stars; one submission).

gnomAD v4.1: 1 of 1,612,194 alleles (0.000062%); no homozygotes.

Submission:

GeneDx
Classification: Uncertain significance. Last evaluated: 2024-05-10. Review status: criteria provided, single submitter. Criteria: GeneDx Variant Classification Process June 2021. Collection method: clinical testing. Allele origin: germline. Affected: yes.
Comment: Not observed at significant frequency in large population cohorts (gnomAD); In silico analysis indicates that this missense variant does not alter protein structure/function; Has not been previously published as pathogenic or benign to our knowledge

NM_078480.3(PUF60):c.38A>C (p.Gln13Pro)

Gene: PUF60 (poly(U) binding splicing factor 60; minus strand). Cytogenetic location: 8q24.3.
Variant type: single nucleotide variant.
Coding change: c.38A>C on transcript NM_078480.3 (MANE Select); coding-DNA position 38, A replaced by C.
Protein change: p.Gln13Pro; replaces glutamine 13 with proline.
Molecular consequence: missense variant. On other transcripts: 5 prime UTR variant (2), intron variant (2).
Genome position (GRCh38, 1-based): chr8:143,824,386, T>G on the plus strand (A>C on the coding strand, the complement: PUF60 is on the minus strand). VCF-style: chr8-143824386-T-G. GRCh37 (hg19) VCF-style: chr8-144906556-T-G.
Other names: c.-92A>C (NM_001136033.3, NM_001271100.2); c.35A>C, p.Gln12Pro (NM_001271096.2, NM_001271098.2); c.149A>C, p.Gln50Pro (NM_001362895.2, NM_001362896.2, NM_001362897.2); c.38A>C, p.Gln13Pro (NM_014281.5); c.25-2473A>C (NM_001271097.2, NM_001271099.2); short protein forms Q12P, Q13P, Q50P.
Identifiers: ClinVar variation 3378202 (VCV003378202.1).
Genomic context (GRCh38, chr8:143,824,386, plus strand): 5'-CATTTGTCTCCCGCTGCCACCACTGCCGCCGCCGCCGCCGGCTCGGACCCCCCTCCTTGC[T>G]GGCCATTGACCTGCTGCAGGCAGGAAGGAGATGTTGTAACGACAGGCACACCACCCCACC-3'
Protein context (NP_510965.1, residues 3-23): TATIALQVNG[Gln13Pro]QGGGSEPAAA